The following is an entry in ClinVar:

NM_001145715.3(KPNA7):c.211_214del (p.Thr71fs)

Gene: KPNA7 (karyopherin subunit alpha 7; minus strand). Cytogenetic location: 7q22.1.
Variant type: Deletion.
Coding change: c.211_214del on transcript NM_001145715.3 (MANE Select); coding-DNA positions 211 to 214, 4 bases deleted (ACTC; older notation c.211_214delACTC).
Protein change: p.Thr71fs; shifts the reading frame from threonine 71.
Molecular consequence: frameshift variant.
Genome position (GRCh38, 1-based): chr7:99,196,154-99,196,157, GAGT deleted on the plus strand (ACTC on the coding strand, the reverse complement: KPNA7 is on the minus strand); deleting any 4 consecutive bases within chr7:99,196,154-99,196,160 gives the same sequence; the c. name uses the placement nearest the transcript's 3' end. VCF-style (leftmost placement, unchanged base first): chr7-99196153-AGAGT-A. GRCh37 (hg19) VCF-style: chr7-98793776-AGAGT-A.
Other names: short protein forms T71fs.
Identifiers: ClinVar variation 1018646 (VCV001018646.4), dbSNP rs1419289715, ClinGen allele CA456849179.
Genomic context (GRCh38, chr7:99,196,153, plus strand): 5'-TGGGTGGCCTGGAAACATAGGACTGGATCTGAGCTATTCACACCTTTGATTATTTCACCC[AGAGT>A]GAGGCTGACCTGCAAGAAGAGACACATTCAGGTCAGACTGTCTGCCAAAATGAGCTGTAA-3'

ClinVar aggregate classification (germline): Uncertain significance (1 of 4 stars; one submission).

Submission:

Labcorp Genetics (formerly Invitae), Labcorp
Classification: Uncertain significance. Last evaluated: 2022-08-01. Review status: criteria provided, single submitter. Criteria: Invitae Variant Classification Sherloc (09022015). Collection method: clinical testing. Allele origin: germline.
Comment: This sequence change creates a premature translational stop signal (p.Thr71Trpfs*4) in the KPNA7 gene. It is expected to result in an absent or disrupted protein product. However, the current clinical and genetic evidence is not sufficient to establish whether loss-of-function variants in KPNA7 cause disease. This variant is present in population databases (no rsID available, gnomAD 0.007%). This variant has not been reported in the literature in individuals affected with KPNA7-related conditions. ClinVar contains an entry for this variant (Variation ID: 1018646). In summary, the available evidence is currently insufficient to determine the role of this variant in disease. Therefore, it has been classified as a Variant of Uncertain Significance.